The following is an entry in ClinVar:

NM_144666.3(DNHD1):c.8263C>T (p.Pro2755Ser)

Gene: DNHD1 (dynein heavy chain domain 1; plus strand). Cytogenetic location: 11p15.4.
Variant type: single nucleotide variant.
Coding change: c.8263C>T on transcript NM_144666.3 (MANE Select); coding-DNA position 8263, C replaced by T.
Protein change: p.Pro2755Ser; replaces proline 2755 with serine.
Molecular consequence: missense variant.
Genome position (GRCh38, 1-based): chr11:6,557,558, C>T. VCF-style: chr11-6557558-C-T. GRCh37 (hg19) VCF-style: chr11-6578788-C-T.
Other names: short protein forms P2755S.
Identifiers: ClinVar variation 3056370 (VCV003056370.2), dbSNP rs111982303, ClinGen allele CA5856295.

ClinVar aggregate classification (germline): Benign (0 of 4 stars; one submission).

Conditions:
DNHD1-related disorder. Also called: DNHD1-related condition.

Allele frequency attached by ClinVar (database versions not stated): ESP Exome Variant Server 0.00767; TOPMed 0.00897; gnomAD exomes 0.00947; gnomAD 0.01068; 1000 Genomes Project 0.02276; 1000 Genomes Project 30x 0.02342; ExAC 0.03461.
gnomAD v4.1: 15,034 of 1,551,652 alleles (0.97%); highest among the groups gnomAD compares: South Asian, 7.2%; 329 homozygotes.

Submission:

PreventionGenetics, part of Exact Sciences
Classification: Benign for DNHD1-related condition. Last evaluated: 2019-10-15. Review status: no assertion criteria provided. Collection method: clinical testing. Allele origin: germline.
Comment: This variant is classified as benign based on ACMG/AMP sequence variant interpretation guidelines (Richards et al. 2015 PMID: 25741868, with internal and published modifications).